The following is an entry in ClinVar:

ClinVar aggregate classification (germline): Uncertain significance. Review status: criteria provided, multiple submitters, no conflicts (2 of 4 stars). 4 submissions from 4 submitters: Uncertain significance (3). 1 of the submissions does not count toward it. Last evaluated 2025-01-01.

Conditions:
Cohen syndrome (COH1). Also called: PEPPER SYNDROME; Cutis verticis gyrata, retinitis pigmentosa, and sensorineural deafness. Identifiers: Orphanet 193, MedGen C0265223, MONDO:0008999, OMIM 216550.
VPS13B-related disorder. Also called: VPS13B-related condition.

Allele frequency attached by ClinVar (database versions not stated): TOPMed below 0.00001; gnomAD exomes 0.00001.
gnomAD v4.1: 8 of 1,593,978 alleles (0.0005%); highest among the groups gnomAD compares: South Asian, 0.0011%; no homozygotes.

Submissions (4):

PreventionGenetics, part of Exact Sciences
Classification: Uncertain significance for VPS13B-related condition. Last evaluated: 2025-01-01. Review status: criteria provided, single submitter. Criteria: ACMG Guidelines, 2015. Collection method: clinical testing. Allele origin: germline.
Comment: The VPS13B c.762+5G>T variant is predicted to interfere with splicing. However, computer predictions are not equivalent to functional evidence. To our knowledge, this variant has not been reported in the literature or in a large population database (gnomAD), indicating this variant is rare. At this time, the clinical significance of this variant is uncertain due to the absence of conclusive functional and genetic evidence.

Blueprint Genetics
Classification: Uncertain significance. Last evaluated: 2020-06-12. Review status: criteria provided, single submitter. Criteria: ACMG Guidelines, 2015. Collection method: clinical testing. Allele origin: germline.

Labcorp Genetics (formerly Invitae), Labcorp
Classification: Uncertain significance for Cohen syndrome. Last evaluated: 2019-10-28. Review status: criteria provided, single submitter. Criteria: Invitae Variant Classification Sherloc (09022015). Collection method: clinical testing. Allele origin: germline.
Comment: This sequence change falls in intron 6 of the VPS13B gene. It does not directly change the encoded amino acid sequence of the VPS13B protein, but it affects a nucleotide within the consensus splice site of the intron. This variant is not present in population databases (ExAC no frequency). This variant has not been reported in the literature in individuals with VPS13B-related conditions. Nucleotide substitutions within the consensus splice site are a relatively common cause of aberrant splicing (PMID: 17576681, 9536098). Algorithms developed to predict the effect of sequence changes on RNA splicing suggest that this variant may disrupt the consensus splice site, but this prediction has not been confirmed by published transcriptional studies. In summary, the available evidence is currently insufficient to determine the role of this variant in disease. Therefore, it has been classified as a Variant of Uncertain Significance.

Natera, Inc.
Classification: Uncertain significance for Cohen syndrome. Last evaluated: 2021-08-16. Review status: no assertion criteria provided. Collection method: clinical testing. Allele origin: germline. Not counted in ClinVar's aggregate classification.

Literature cited by the submitters: PubMed 17576681 (cited by Labcorp Genetics (formerly Invitae), Labcorp); PubMed 9536098 (cited by Labcorp Genetics (formerly Invitae), Labcorp).

NM_152564.5(VPS13B):c.762+5G>T

Gene: VPS13B (vacuolar protein sorting 13 homolog B; plus strand). Cytogenetic location: 8q22.2.
Variant type: single nucleotide variant.
Coding change: c.762+5G>T on transcript NM_152564.5 (MANE Select); 5 bases into the intron after coding-DNA position 762, G replaced by T.
Molecular consequence: intron variant.
Genome position (GRCh38, 1-based): chr8:99,111,284, G>T. VCF-style: chr8-99111284-G-T. GRCh37 (hg19) VCF-style: chr8-100123512-G-T.
Other names: c.762+5G>T (NM_152564.4, NM_017890.5, NM_015243.3 and 1 more transcripts).
Identifiers: ClinVar variation 967302 (VCV000967302.9), dbSNP rs1847351205, ClinGen allele CA1139660687.